The following is an entry in ClinVar:

ClinVar aggregate classification (germline): Uncertain significance (1 of 4 stars; one submission).

Conditions:
Severe early-onset pulmonary alveolar proteinosis due to MARS deficiency. Also called: PULMONARY ALVEOLAR PROTEINOSIS, REUNION ISLAND; Interstitial lung and liver disease. Identifiers: Orphanet 440427, MedGen C4225400, MONDO:0014206, OMIM 615486.
Charcot-Marie-Tooth disease axonal type 2U. Also called: CHARCOT-MARIE-TOOTH NEUROPATHY, TYPE 2U; CHARCOT-MARIE-TOOTH DISEASE, AXONAL, AUTOSOMAL DOMINANT, TYPE 2U. Identifiers: Orphanet 397735, MedGen C4084821, MONDO:0014566, OMIM 616280.

Submission:

Labcorp Genetics (formerly Invitae), Labcorp
Classification: Uncertain significance for Charcot-Marie-Tooth disease axonal type 2U; Severe early-onset pulmonary alveolar proteinosis due to MARS deficiency. Last evaluated: 2022-11-22. Review status: criteria provided, single submitter. Criteria: Invitae Variant Classification Sherloc (09022015). Collection method: clinical testing. Allele origin: germline.
Comment: This variant is not present in population databases (gnomAD no frequency). In summary, the available evidence is currently insufficient to determine the role of this variant in disease. Therefore, it has been classified as a Variant of Uncertain Significance. Algorithms developed to predict the effect of missense changes on protein structure and function (SIFT, PolyPhen-2, Align-GVGD) all suggest that this variant is likely to be tolerated. ClinVar contains an entry for this variant (Variation ID: 662003). This variant has not been reported in the literature in individuals affected with MARS-related conditions. This sequence change replaces alanine, which is neutral and non-polar, with glycine, which is neutral and non-polar, at codon 657 of the MARS protein (p.Ala657Gly).

NM_004990.4(MARS1):c.1970C>G (p.Ala657Gly)

Gene: MARS1 (methionyl-tRNA synthetase 1; plus strand). Cytogenetic location: 12q13.3.
Variant type: single nucleotide variant.
Coding change: c.1970C>G on transcript NM_004990.4 (MANE Select); coding-DNA position 1970, C replaced by G.
Protein change: p.Ala657Gly; replaces alanine 657 with glycine.
Molecular consequence: missense variant.
Genome position (GRCh38, 1-based): chr12:57,514,722, C>G. VCF-style: chr12-57514722-C-G. GRCh37 (hg19) VCF-style: chr12-57908505-C-G.
Other names: short protein forms A657G.
Identifiers: ClinVar variation 662003 (VCV000662003.8), dbSNP rs1594835469, ClinGen allele CA385464295.